The following is an entry in ClinVar:

ClinVar aggregate classification (germline): Uncertain significance. Review status: criteria provided, multiple submitters, no conflicts (2 of 4 stars). 3 submissions from 3 submitters: Uncertain significance (3). Last evaluated 2026-07-07.

Conditions:
Cardiovascular phenotype. Identifiers: MedGen CN230736.
Arrhythmogenic right ventricular dysplasia 11. Also called: Arrhythmogenic Right Ventricular Dysplasia/Cardiomyopathy11; ARRHYTHMOGENIC RIGHT VENTRICULAR DYSPLASIA, FAMILIAL, 11; Arrhythmogenic right ventricular dysplasia 11 with mild palmoplantar keratoderma and woolly hair. Identifiers: MedGen C1864850, MONDO:0012506, OMIM 610476.

Allele frequency attached by ClinVar (database versions not stated): gnomAD exomes below 0.00001.
gnomAD v4.1: 2 of 1,614,100 alleles (0.00012%); highest among the groups gnomAD compares: Non-Finnish European, 0.00017%; no homozygotes.

Submissions (3):

Ambry Genetics
Classification: Uncertain significance for Cardiovascular phenotype. Last evaluated: 2026-07-07. Review status: criteria provided, single submitter. Criteria: Ambry Variant Classification Scheme 2023. Collection method: clinical testing. Allele origin: germline.
Comment: The p.E146G variant (also known as c.437A>G), located in coding exon 4 of the DSC2 gene, results from an A to G substitution at nucleotide position 437. The glutamic acid at codon 146 is replaced by glycine, an amino acid with similar properties. This amino acid position is conserved. In addition, this alteration is predicted to be deleterious by in silico analysis. Based on the available evidence, the clinical significance of this variant remains unclear.

Labcorp Genetics (formerly Invitae), Labcorp
Classification: Uncertain significance for Arrhythmogenic right ventricular dysplasia 11. Last evaluated: 2025-08-04. Review status: criteria provided, single submitter. Criteria: Invitae Variant Classification Sherloc (09022015). Collection method: clinical testing. Allele origin: germline.
Comment: This sequence change replaces glutamic acid, which is acidic and polar, with glycine, which is neutral and non-polar, at codon 146 of the DSC2 protein (p.Glu146Gly). This variant is not present in population databases (gnomAD no frequency). This variant has not been reported in the literature in individuals affected with DSC2-related conditions. ClinVar contains an entry for this variant (Variation ID: 1198232). Invitae Evidence Modeling of protein sequence and biophysical properties (such as structural, functional, and spatial information, amino acid conservation, physicochemical variation, residue mobility, and thermodynamic stability) indicates that this missense variant is expected to disrupt DSC2 protein function with a positive predictive value of 80%. In summary, the available evidence is currently insufficient to determine the role of this variant in disease. Therefore, it has been classified as a Variant of Uncertain Significance.

GeneDx
Classification: Uncertain significance. Last evaluated: 2021-01-22. Review status: criteria provided, single submitter. Criteria: GeneDx Variant Classification Process June 2021. Collection method: clinical testing. Allele origin: germline. Affected: yes.
Comment: Has not been previously published as pathogenic or benign to our knowledge; Not observed in large population cohorts (Lek et al., 2016); In silico analysis supports that this missense variant has a deleterious effect on protein structure/function

NM_024422.6(DSC2):c.437A>G (p.Glu146Gly)

Gene: DSC2 (desmocollin 2; minus strand). Cytogenetic location: 18q12.1.
Variant type: single nucleotide variant.
Coding change: c.437A>G on transcript NM_024422.6 (MANE Select); coding-DNA position 437, A replaced by G.
Protein change: p.Glu146Gly; replaces glutamic acid 146 with glycine.
Molecular consequence: missense variant.
Genome position (GRCh38, 1-based): chr18:31,091,065, T>C on the plus strand (A>G on the coding strand, the complement: DSC2 is on the minus strand). VCF-style: chr18-31091065-T-C. GRCh37 (hg19) VCF-style: chr18-28671028-T-C.
Other names: c.437A>G, p.Glu146Gly (NM_004949.5); short protein forms E146G.
Identifiers: ClinVar variation 1198232 (VCV001198232.4), dbSNP rs575632427, ClinGen allele CA402114185.